The following is an entry in ClinVar:

ClinVar aggregate classification (germline): Uncertain significance (1 of 4 stars; one submission).

Conditions:
Inborn genetic diseases. Identifiers: MedGen C0950123, MeSH D030342.

gnomAD v4.1: 1 of 1,609,806 alleles (0.000062%); highest among the groups gnomAD compares: Admixed American, 0.0017%; no homozygotes.

Submission:

Ambry Genetics
Classification: Uncertain significance for Inborn genetic diseases. Last evaluated: 2025-08-12. Review status: criteria provided, single submitter. Criteria: Ambry Variant Classification Scheme 2023. Collection method: clinical testing. Allele origin: germline.
Comment: The p.D384G variant (also known as c.1151A>G), located in coding exon 5 of the SH2B3 gene, results from an A to G substitution at nucleotide position 1151. The aspartic acid at codon 384 is replaced by glycine, an amino acid with similar properties. This amino acid position is conserved. In addition, this alteration is predicted to be tolerated by in silico analysis. Based on the available evidence, the clinical significance of this variant remains unclear.

NM_005475.3(SH2B3):c.1151A>G (p.Asp384Gly)

Gene: SH2B3 (SH2B adaptor protein 3; plus strand). Cytogenetic location: 12q24.12.
Variant type: single nucleotide variant.
Coding change: c.1151A>G on transcript NM_005475.3 (MANE Select); coding-DNA position 1151, A replaced by G.
Protein change: p.Asp384Gly; replaces aspartic acid 384 with glycine.
Molecular consequence: missense variant.
Genome position (GRCh38, 1-based): chr12:111,447,459, A>G. VCF-style: chr12-111447459-A-G. GRCh37 (hg19) VCF-style: chr12-111885263-A-G.
Other names: c.545A>G, p.Asp182Gly (NM_001291424.1); short protein forms D384G, D182G.
Identifiers: ClinVar variation 4163989 (VCV004163989.1).